The following is an entry in ClinVar:

ClinVar aggregate classification (germline): Pathogenic/Likely pathogenic. Review status: criteria provided, multiple submitters, no conflicts (2 of 4 stars). 3 submissions from 3 submitters: Pathogenic (2); Likely pathogenic (1). Last evaluated 2025-05-10.

Conditions:
Oculocutaneous albinism type 1. Also called: Albinism 1; ALBINISM I. Identifiers: Orphanet 352731, MedGen C0268494, MONDO:0018135. Disease mechanism: loss of function.
Oculocutaneous albinism type 1A (OCA1A). Also called: Albinism, oculocutaneous, type IA. Identifiers: Orphanet 352731, Orphanet 79431, MedGen C4551504, MONDO:0008745, OMIM 203100. Disease mechanism: loss of function.
Oculocutaneous albinism type 1B (OCA1B). Also called: ALBINISM, OCULOCUTANEOUS, TYPE IB; ALBINISM, YELLOW MUTANT TYPE; YELLOW ALBINISM. Identifiers: Orphanet 352731, Orphanet 352737, Orphanet 79434, MedGen C1847024, MONDO:0011749, OMIM 606952.
SKIN/HAIR/EYE PIGMENTATION 3, LIGHT/DARK SKIN (SHEP3). Also called: SKIN/HAIR/EYE PIGMENTATION, VARIATION IN, 3; EYE COLOR 1; EYE COLOR, GREEN/BLUE; SKIN/HAIR/EYE PIGMENTATION 3, BLUE/GREEN EYE COLOR; SKIN/HAIR/EYE PIGMENTATION 3, FRECKLING. Identifiers: MedGen C2677190, OMIM 601800.

Allele frequency attached by ClinVar (database versions not stated): TOPMed 0.00001; gnomAD exomes below 0.00001.
gnomAD v4.1: 2 of 1,613,480 alleles (0.00012%); highest among the groups gnomAD compares: Non-Finnish European, 0.00017%; no homozygotes.

Submissions (3):

Myriad Genetics, Inc.
Classification: Pathogenic for Oculocutaneous albinism type 1. Last evaluated: 2025-05-10. Review status: criteria provided, single submitter. Criteria: Myriad Autosomal Dominant, Autosomal Recessive and X-Linked Classification Criteria (2023). Collection method: clinical testing. Allele origin: unknown.
Comment: NM_000372.4(TYR):c.838G>T(E280*) is expected to be pathogenic in the context of oculocutaneous albinism, TYR-related. This variant is predicted to lead to an abnormal or absent protein product due to the creation of a premature termination codon in TYR, a gene where loss-of-function variants are known to be pathogenic. Please note: this variant was assessed in the context of healthy population screening.

Fulgent Genetics
Classification: Likely pathogenic for Oculocutaneous albinism type 1A; SKIN/HAIR/EYE PIGMENTATION 3, LIGHT/DARK SKIN; Oculocutaneous albinism type 1B. Last evaluated: 2024-05-28. Review status: criteria provided, single submitter. Criteria: ACMG Guidelines, 2015. Collection method: clinical testing. Allele origin: germline.

Labcorp Genetics (formerly Invitae), Labcorp
Classification: Pathogenic. Last evaluated: 2023-09-03. Review status: criteria provided, single submitter. Criteria: Invitae Variant Classification Sherloc (09022015). Collection method: clinical testing. Allele origin: germline.
Comment: This sequence change creates a premature translational stop signal (p.Glu280*) in the TYR gene. It is expected to result in an absent or disrupted protein product. Loss-of-function variants in TYR are known to be pathogenic (PMID: 23504663). For these reasons, this variant has been classified as Pathogenic. Algorithms developed to predict the effect of sequence changes on RNA splicing suggest that this variant may disrupt the consensus splice site. This variant has not been reported in the literature in individuals affected with TYR-related conditions. This variant is not present in population databases (gnomAD no frequency).

Literature cited by the submitters: PubMed 23504663 (cited by Labcorp Genetics (formerly Invitae), Labcorp).

NM_000372.5(TYR):c.838G>T (p.Glu280Ter)

Gene: TYR (tyrosinase; plus strand). Cytogenetic location: 11q14.3.
Variant type: single nucleotide variant.
Coding change: c.838G>T on transcript NM_000372.5 (MANE Select); coding-DNA position 838, G replaced by T.
Protein change: p.Glu280Ter; replaces glutamic acid 280 with a stop codon.
Molecular consequence: nonsense.
Genome position (GRCh38, 1-based): chr11:89,191,220, G>T. VCF-style: chr11-89191220-G-T. GRCh37 (hg19) VCF-style: chr11-88924388-G-T.
Other names: short protein forms E280*.
Identifiers: ClinVar variation 2989319 (VCV002989319.5), dbSNP rs1321772595, ClinGen allele CA382035711.